The following is an entry in ClinVar:

ClinVar aggregate classification (germline): Uncertain significance (1 of 4 stars; one submission).

Conditions:
Propionic acidemia (PROP). Also called: GLYCINEMIA, KETOTIC; HYPERGLYCINEMIA WITH KETOACIDOSIS AND LEUKOPENIA; KETOTIC HYPERGLYCINEMIA. Identifiers: Orphanet 35, MedGen C0268579, MONDO:0011628, OMIM 606054, HP:0003571.

Allele frequency attached by ClinVar (database versions not stated): gnomAD exomes below 0.00001.
gnomAD v4.1: 4 of 1,613,694 alleles (0.00025%); highest among the groups gnomAD compares: Middle Eastern, 0.017%; no homozygotes.

Submission:

Labcorp Genetics (formerly Invitae), Labcorp
Classification: Uncertain significance for Propionic acidemia. Last evaluated: 2024-01-08. Review status: criteria provided, single submitter. Criteria: Invitae Variant Classification Sherloc (09022015). Collection method: clinical testing. Allele origin: germline.
Comment: This sequence change replaces isoleucine, which is neutral and non-polar, with leucine, which is neutral and non-polar, at codon 193 of the PCCB protein (p.Ile193Leu). This variant is present in population databases (no rsID available, gnomAD 0.0009%). This variant has not been reported in the literature in individuals affected with PCCB-related conditions. ClinVar contains an entry for this variant (Variation ID: 1427959). Advanced modeling of protein sequence and biophysical properties (such as structural, functional, and spatial information, amino acid conservation, physicochemical variation, residue mobility, and thermodynamic stability) performed at Invitae indicates that this missense variant is not expected to disrupt PCCB protein function with a negative predictive value of 95%. In summary, the available evidence is currently insufficient to determine the role of this variant in disease. Therefore, it has been classified as a Variant of Uncertain Significance.

NM_000532.5(PCCB):c.577A>C (p.Ile193Leu)

Gene: PCCB (propionyl-CoA carboxylase subunit beta; plus strand). Cytogenetic location: 3q22.3.
Variant type: single nucleotide variant.
Coding change: c.577A>C on transcript NM_000532.5 (MANE Select); coding-DNA position 577, A replaced by C.
Protein change: p.Ile193Leu; replaces isoleucine 193 with leucine.
Molecular consequence: missense variant.
Genome position (GRCh38, 1-based): chr3:136,283,870, A>C. VCF-style: chr3-136283870-A-C. GRCh37 (hg19) VCF-style: chr3-136002712-A-C.
Other names: c.637A>C, p.Ile213Leu (NM_001178014.2); short protein forms I193L, I213L.
Identifiers: ClinVar variation 1427959 (VCV001427959.4), dbSNP rs1212475120, ClinGen allele CA354641830.